The following is an entry in ClinVar:

ClinVar aggregate classification (germline): Likely benign (1 of 4 stars; one submission).

Allele frequency attached by ClinVar (database versions not stated): gnomAD exomes 0.00002 and 0.00010; ExAC 0.00011; gnomAD 0.00029 and 0.00033; TOPMed 0.00030; 1000 Genomes Project 30x 0.00031; 1000 Genomes Project 0.00040; ESP Exome Variant Server 0.00046.
gnomAD v4.1: 83 of 1,613,876 alleles (0.0051%); highest among the groups gnomAD compares: African/African-American, 0.089%; no homozygotes.

Submission:

Laboratory for Molecular Medicine, Mass General Brigham Personalized Medicine
Classification: Likely benign. Last evaluated: 2012-04-30. Review status: criteria provided, single submitter. Criteria: LMM Criteria. Collection method: clinical testing. Allele origin: germline. Observed: 2 variant alleles.
Comment: Lys590Lys in Exon 18 of MYO1A: This variant is not expected to have clinical sig nificance because it does not alter an amino acid residue, is not located within the splice consensus sequence, and has been identified in 0.1% (5/3738) of Afri can American chromosomes from a broad population by the NHLBI Exome Sequencing P roject.

NM_005379.4(MYO1A):c.1770G>A (p.Lys590=)

Gene: MYO1A (myosin IA; minus strand). Cytogenetic location: 12q13.3.
Variant type: single nucleotide variant.
Coding change: c.1770G>A on transcript NM_005379.4 (MANE Select); coding-DNA position 1770, G replaced by A.
Protein change: p.Lys590=; no amino-acid change (lysine 590 retained).
Molecular consequence: synonymous variant.
Genome position (GRCh38, 1-based): chr12:57,038,060, C>T on the plus strand (G>A on the coding strand, the complement: MYO1A is on the minus strand). VCF-style: chr12-57038060-C-T. GRCh37 (hg19) VCF-style: chr12-57431844-C-T.
Other names: c.1770G>A, p.Lys590= (NM_001256041.2).
Identifiers: ClinVar variation 164591 (VCV000164591.4), dbSNP rs200927840, ClinGen allele CA177307.